The following is an entry in ClinVar:

ClinVar aggregate classification (germline): Pathogenic/Likely pathogenic. Review status: criteria provided, multiple submitters, no conflicts (2 of 4 stars). 3 submissions from 3 submitters: Pathogenic (1); Likely pathogenic (2). Last evaluated 2025-09-02.

Conditions:
Medulloblastoma (MDB). Also called: Medulloblastoma, somatic; MEDULLOBLASTOMA PREDISPOSITION SYNDROME. Identifiers: Orphanet 616, MedGen C0025149, MeSH D008527, MONDO:0007959, OMIM 155255, HP:0002885.
Familial dysautonomia. Also called: HSAN III; FD. Identifiers: Orphanet 1764, MedGen C0013364, MONDO:0009131, OMIM 223900. Disease mechanism: loss of function.

Allele frequency attached by ClinVar (database versions not stated): gnomAD exomes below 0.00001; TOPMed below 0.00001; ExAC 0.00001; gnomAD 0.00001.
gnomAD v4.1: 6 of 1,614,108 alleles (0.00037%); highest among the groups gnomAD compares: Non-Finnish European, 0.00051%; no homozygotes.

Submissions (3):

Natera, Inc.
Classification: Likely pathogenic for Familial dysautonomia. Last evaluated: 2025-09-02. Review status: criteria provided, single submitter. Criteria: Natera Variant Classification Schema (03/2026). Collection method: clinical testing. Allele origin: germline.
Comment: The c.3595A>T variant in ELP1 is a nonsense variant predicted to introduce a stop codon at amino acid 1199. This variant is expected to result in nonsense mediated decay, truncation, or a dysfunctional protein product. This variant is rare in the general population with a frequency below the threshold expected for the associated phenotype(s). Given the available evidence, this variant is classified as Likely Pathogenic.

Labcorp Genetics (formerly Invitae), Labcorp
Classification: Pathogenic. Last evaluated: 2024-12-22. Review status: criteria provided, single submitter. Criteria: Invitae Variant Classification Sherloc (09022015). Collection method: clinical testing. Allele origin: germline.
Comment: This sequence change creates a premature translational stop signal (p.Lys1199*) in the ELP1 gene. It is expected to result in an absent or disrupted protein product. Loss-of-function variants in ELP1 are known to be pathogenic (PMID: 18303054, 24173031). This variant is present in population databases (rs762224071, gnomAD 0.0009%). This variant has not been reported in the literature in individuals affected with ELP1-related conditions. ClinVar contains an entry for this variant (Variation ID: 1454132). For these reasons, this variant has been classified as Pathogenic.

Fulgent Genetics
Classification: Likely pathogenic for Medulloblastoma; Familial dysautonomia. Last evaluated: 2021-09-17. Review status: criteria provided, single submitter. Criteria: ACMG Guidelines, 2015. Collection method: clinical testing. Allele origin: unknown.

Literature cited by the submitters: PubMed 18303054 (cited by Labcorp Genetics (formerly Invitae), Labcorp); PubMed 24173031 (cited by Labcorp Genetics (formerly Invitae), Labcorp).

NM_003640.5(ELP1):c.3595A>T (p.Lys1199Ter)

Gene: ELP1 (elongator acetyltransferase complex subunit 1; minus strand). Cytogenetic location: 9q31.3.
Variant type: single nucleotide variant.
Coding change: c.3595A>T on transcript NM_003640.5 (MANE Select); coding-DNA position 3595, A replaced by T.
Protein change: p.Lys1199Ter; replaces lysine 1199 with a stop codon.
Molecular consequence: nonsense.
Genome position (GRCh38, 1-based): chr9:108,878,728, T>A on the plus strand (A>T on the coding strand, the complement: ELP1 is on the minus strand). VCF-style: chr9-108878728-T-A. GRCh37 (hg19) VCF-style: chr9-111641008-T-A.
Other names: c.3595A>T (NM_003640.4); c.3253A>T, p.Lys1085Ter (NM_001318360.2); c.2548A>T, p.Lys850Ter (NM_001330749.2); short protein forms K1085*, K1199*, K850*.
Identifiers: ClinVar variation 1454132 (VCV001454132.8), dbSNP rs762224071, ClinGen allele CA5174234.